The following is an entry in ClinVar:

NM_001184.4(ATR):c.2962A>G (p.Asn988Asp)

Gene: ATR (ATR checkpoint kinase; minus strand). Cytogenetic location: 3q23.
Variant type: single nucleotide variant.
Coding change: c.2962A>G on transcript NM_001184.4 (MANE Select); coding-DNA position 2962, A replaced by G.
Protein change: p.Asn988Asp; replaces asparagine 988 with aspartic acid.
Molecular consequence: missense variant.
Genome position (GRCh38, 1-based): chr3:142,550,146, T>C on the plus strand (A>G on the coding strand, the complement: ATR is on the minus strand). VCF-style: chr3-142550146-T-C. GRCh37 (hg19) VCF-style: chr3-142268988-T-C.
Other names: c.2770A>G, p.Asn924Asp (NM_001354579.2); short protein forms N988D, N924D.
Identifiers: ClinVar variation 2496595 (VCV002496595.3), dbSNP rs2473366490, ClinGen allele CA354812646.

ClinVar aggregate classification (germline): Uncertain significance. Review status: criteria provided, multiple submitters, no conflicts (2 of 4 stars). 2 submissions from 2 submitters: Uncertain significance (2). Last evaluated 2022-11-02.

Conditions:
Inborn genetic diseases. Identifiers: MedGen C0950123, MeSH D030342.

Allele frequency attached by ClinVar (database versions not stated): gnomAD exomes below 0.00001.
gnomAD v4.1: 2 of 1,614,108 alleles (0.00012%); highest among the groups gnomAD compares: Non-Finnish European, 0.00017%; no homozygotes.

Submissions (2):

Ambry Genetics
Classification: Uncertain significance for Inborn genetic diseases. Last evaluated: 2022-11-02. Review status: criteria provided, single submitter. Criteria: Ambry Variant Classification Scheme 2023. Collection method: clinical testing. Allele origin: germline.
Comment: The p.N988D variant (also known as c.2962A>G), located in coding exon 14 of the ATR gene, results from an A to G substitution at nucleotide position 2962. The asparagine at codon 988 is replaced by aspartic acid, an amino acid with highly similar properties. This amino acid position is conserved. In addition, this alteration is predicted to be tolerated by in silico analysis. Since supporting evidence is limited at this time, the clinical significance of this alteration remains unclear.

Blueprint Genetics
Classification: Uncertain significance. Last evaluated: 2020-12-21. Review status: criteria provided, single submitter. Criteria: ACMG Guidelines, 2015. Collection method: clinical testing. Allele origin: germline.